The following is an entry in ClinVar:

ClinVar aggregate classification (germline): Uncertain significance (1 of 4 stars; one submission).

Conditions:
Hereditary cancer-predisposing syndrome. Also called: Neoplastic Syndromes, Hereditary; Tumor predisposition; Hereditary neoplastic syndrome; Hereditary Cancer Syndrome. Identifiers: Orphanet 140162, MedGen C0027672, MeSH D009386, MONDO:0015356.

Submission:

Ambry Genetics
Classification: Uncertain significance for Hereditary cancer-predisposing syndrome. Last evaluated: 2026-08-11. Review status: criteria provided, single submitter. Criteria: Ambry Variant Classification Scheme 2023. Collection method: clinical testing. Allele origin: germline.
Comment: The p.A644V variant (also known as c.1931C>T), located in coding exon 18 of the POLE gene, results from a C to T substitution at nucleotide position 1931. The alanine at codon 644 is replaced by valine, an amino acid with similar properties. This amino acid position is conserved. In addition, the in silico prediction for this alteration is inconclusive. Based on the available evidence, the clinical significance of this variant remains unclear.

NM_006231.4(POLE):c.1931C>T (p.Ala644Val)

Gene: POLE (DNA polymerase epsilon, catalytic subunit; minus strand). Cytogenetic location: 12q24.33.
Variant type: single nucleotide variant.
Coding change: c.1931C>T on transcript NM_006231.4 (MANE Select); coding-DNA position 1931, C replaced by T.
Protein change: p.Ala644Val; replaces alanine 644 with valine.
Molecular consequence: missense variant.
Genome position (GRCh38, 1-based): chr12:132,668,730, G>A on the plus strand (C>T on the coding strand, the complement: POLE is on the minus strand). VCF-style: chr12-132668730-G-A. GRCh37 (hg19) VCF-style: chr12-133245316-G-A.
Other names: short protein forms A644V.
Identifiers: ClinVar variation 5027035 (VCV005027035.1).
Genomic context (GRCh38, chr12:132,668,730, plus strand): 5'-TGGCAGTTTGCTCCAGGCTTATTGAAGTCACAGGCAGCACAGGTGGCTTCGTCCACCATG[G>A]CAGAGGGCTGGGAGGGGTGAGAAAGCACTTAGGGCTGGGCAGAGAGAGCTCCGACTCTGA-3'
Protein context (NP_006222.2, residues 634-654): IILTNRLQPS[Ala644Val]MVDEATCAAC